The following is an entry in ClinVar:

NM_004064.5(CDKN1B):c.392T>C (p.Val131Ala)

Gene: CDKN1B (cyclin dependent kinase inhibitor 1B; plus strand). Cytogenetic location: 12p13.1.
Variant type: single nucleotide variant.
Coding change: c.392T>C on transcript NM_004064.5 (MANE Select); coding-DNA position 392, T replaced by C.
Protein change: p.Val131Ala; replaces valine 131 with alanine.
Molecular consequence: missense variant.
Genome position (GRCh38, 1-based): chr12:12,718,231, T>C. VCF-style: chr12-12718231-T-C. GRCh37 (hg19) VCF-style: chr12-12871165-T-C.
Other names: short protein forms V131A.
Identifiers: ClinVar variation 2149177 (VCV002149177.4), dbSNP rs1219626593, ClinGen allele CA383970581.

ClinVar aggregate classification (germline): Uncertain significance (1 of 4 stars; one submission).

Conditions:
Multiple endocrine neoplasia type 4. Also called: MULTIPLE ENDOCRINE NEOPLASIA, TYPE IV. Identifiers: Orphanet 276152, MedGen C1970712, MONDO:0012552, OMIM 610755.

gnomAD v4.1: 1 of 1,612,514 alleles (0.000062%); no homozygotes.

Submission:

Labcorp Genetics (formerly Invitae), Labcorp
Classification: Uncertain significance for Multiple endocrine neoplasia type 4. Last evaluated: 2022-05-12. Review status: criteria provided, single submitter. Criteria: Invitae Variant Classification Sherloc (09022015). Collection method: clinical testing. Allele origin: germline.
Comment: In summary, the available evidence is currently insufficient to determine the role of this variant in disease. Therefore, it has been classified as a Variant of Uncertain Significance. Algorithms developed to predict the effect of missense changes on protein structure and function output the following: SIFT: "Tolerated"; PolyPhen-2: "Benign"; Align-GVGD: "Class C0". The alanine amino acid residue is found in multiple mammalian species, which suggests that this missense change does not adversely affect protein function. This variant has not been reported in the literature in individuals affected with CDKN1B-related conditions. This variant is present in population databases (no rsID available, gnomAD no frequency). This sequence change replaces valine, which is neutral and non-polar, with alanine, which is neutral and non-polar, at codon 131 of the CDKN1B protein (p.Val131Ala).